The following is an entry in ClinVar:

NM_018426.3(TMEM63B):c.626C>T (p.Thr209Ile)

Gene: TMEM63B (transmembrane protein 63B; plus strand). Cytogenetic location: 6p21.1.
Variant type: single nucleotide variant.
Coding change: c.626C>T on transcript NM_018426.3 (MANE Select); coding-DNA position 626, C replaced by T.
Protein change: p.Thr209Ile; replaces threonine 209 with isoleucine.
Molecular consequence: missense variant.
Genome position (GRCh38, 1-based): chr6:44,140,275, C>T. VCF-style: chr6-44140275-C-T. GRCh37 (hg19) VCF-style: chr6-44108012-C-T.
Other names: c.626C>T, p.Thr209Ile (NM_001318792.1); short protein forms T209I.
Identifiers: ClinVar variation 4681968 (VCV004681968.5).

ClinVar aggregate classification (germline): Uncertain significance (1 of 4 stars; one submission).

Submission:

CeGaT Center for Human Genetics Tuebingen
Classification: Uncertain significance. Last evaluated: 2025-12-01. Review status: criteria provided, single submitter. Criteria: CeGaT Center For Human Genetics Tuebingen Variant Classification Criteria Version 2. Collection method: clinical testing. Allele origin: germline. Affected: yes. Observed: 1 variant allele.
Comment: TMEM63B: PM2